The following is an entry in ClinVar:

NM_138295.5(PKD1L1):c.7663C>G (p.Arg2555Gly)

Genes: PKD1L1 (polycystin 1 like 1, transient receptor potential channel interacting; minus strand), PKD1L1-AS1 (PKD1L1 antisense RNA 1; plus strand). Cytogenetic location: 7p12.3.
Variant type: single nucleotide variant.
Coding change: c.7663C>G on transcript NM_138295.5 (MANE Select); coding-DNA position 7663, C replaced by G.
Protein change: p.Arg2555Gly; replaces arginine 2555 with glycine.
Molecular consequence: missense variant.
Genome position (GRCh38, 1-based): chr7:47,809,496, G>C on the plus strand (C>G on the coding strand, the complement: PKD1L1 is on the minus strand). VCF-style: chr7-47809496-G-C. GRCh37 (hg19) VCF-style: chr7-47849094-G-C.
Other names: short protein forms R2555G.
Identifiers: ClinVar variation 4536392 (VCV004536392.1).

ClinVar aggregate classification (germline): Uncertain significance (1 of 4 stars; one submission).

gnomAD v4.1: 20 of 1,605,596 alleles (0.0012%); highest among the groups gnomAD compares: East Asian, 0.043%; no homozygotes.

Submission:

GeneDx
Classification: Uncertain significance. Last evaluated: 2025-06-03. Review status: criteria provided, single submitter. Criteria: GeneDx Variant Classification Process June 2021. Collection method: clinical testing. Allele origin: germline. Affected: yes.
Comment: In silico analysis supports that this missense variant has a deleterious effect on protein structure/function; Has not been previously published as pathogenic or benign to our knowledge